The following is an entry in ClinVar:

ClinVar aggregate classification (germline): Uncertain significance (1 of 4 stars; one submission).

Allele frequency attached by ClinVar (database versions not stated): gnomAD exomes below 0.00001.
gnomAD v4.1: 3 of 1,614,074 alleles (0.00019%); highest among the groups gnomAD compares: Non-Finnish European, 0.00025%; no homozygotes.

Submission:

Ambry Genetics
Classification: Uncertain significance. Last evaluated: 2023-12-24. Review status: criteria provided, single submitter. Criteria: Ambry Variant Classification Scheme 2023. Collection method: clinical testing. Allele origin: germline.
Comment: The p.D192G variant (also known as c.575A>G), located in coding exon 1 of the MLH3 gene, results from an A to G substitution at nucleotide position 575. The aspartic acid at codon 192 is replaced by glycine, an amino acid with similar properties. This amino acid position is conserved. In addition, this alteration is predicted to be deleterious by in silico analysis. Since supporting evidence is limited at this time, the clinical significance of this alteration remains unclear.

NM_001040108.2(MLH3):c.575A>G (p.Asp192Gly)

Gene: MLH3 (mutL homolog 3; minus strand). Cytogenetic location: 14q24.3.
Variant type: single nucleotide variant.
Coding change: c.575A>G on transcript NM_001040108.2 (MANE Select); coding-DNA position 575, A replaced by G.
Protein change: p.Asp192Gly; replaces aspartic acid 192 with glycine.
Molecular consequence: missense variant.
Genome position (GRCh38, 1-based): chr14:75,049,081, T>C on the plus strand (A>G on the coding strand, the complement: MLH3 is on the minus strand). VCF-style: chr14-75049081-T-C. GRCh37 (hg19) VCF-style: chr14-75515784-T-C.
Other names: c.575A>G, p.Asp192Gly (NM_014381.3); short protein forms D192G.
Identifiers: ClinVar variation 3232583 (VCV003232583.1), dbSNP rs2139603176, ClinGen allele CA390449857.